The following is an entry in ClinVar:

ClinVar aggregate classification (germline): Pathogenic (1 of 4 stars; one submission).

Submission:

Labcorp Genetics (formerly Invitae), Labcorp
Classification: Pathogenic. Last evaluated: 2020-06-03. Review status: criteria provided, single submitter. Criteria: Invitae Variant Classification Sherloc (09022015). Collection method: clinical testing. Allele origin: germline.
Comment: This sequence change creates a premature translational stop signal (p.Ala148Glyfs*23) in the SETD1A gene. It is expected to result in an absent or disrupted protein product. This variant is not present in population databases (ExAC no frequency). This variant has not been reported in the literature in individuals with SETD1A-related conditions. Loss-of-function variants in SETD1A are known to be pathogenic (PMID: 32346159). For these reasons, this variant has been classified as Pathogenic.

Literature cited by the submitters: PubMed 32346159.

NM_014712.3(SETD1A):c.442dup (p.Ala148fs)

Gene: SETD1A (SET domain containing 1A, histone lysine methyltransferase; plus strand). Cytogenetic location: 16p11.2.
Variant type: Duplication.
Coding change: c.442dup on transcript NM_014712.3 (MANE Select); coding-DNA position 442, one base duplicated (G; older notation c.442dupG).
Protein change: p.Ala148fs; shifts the reading frame from alanine 148.
Molecular consequence: frameshift variant.
Genome position (GRCh38, 1-based): chr16:30,961,462, G duplicated. VCF-style (leftmost placement, unchanged base first): chr16-30961461-C-CG. GRCh37 (hg19) VCF-style: chr16-30972782-C-CG.
Other names: short protein forms A148fs.
Identifiers: ClinVar variation 1076067 (VCV001076067.7), dbSNP rs2143466709, ClinGen allele CA2499223503.
Genomic context (GRCh38, chr16:30,961,461, plus strand): 5'-TCACCCCCGTACGCGCAAGCACCTGGGCCTGGCCCGTGTGCTCTTCACCAGCACTCGGGG[C>CG]GCCAAGGAAACGGTCAAAAACCTCCACCTTACCTCCGTCATGGGCAACATCATCCATGCC-3'